The following is an entry in ClinVar:

ClinVar aggregate classification (germline): Uncertain significance (1 of 4 stars; one submission).

Allele frequency attached by ClinVar (database versions not stated): TOPMed 0.00001.

Submission:

Labcorp Genetics (formerly Invitae), Labcorp
Classification: Uncertain significance. Last evaluated: 2024-10-21. Review status: criteria provided, single submitter. Criteria: Invitae Variant Classification Sherloc (09022015). Collection method: clinical testing. Allele origin: germline.
Comment: This sequence change replaces glutamic acid, which is acidic and polar, with glycine, which is neutral and non-polar, at codon 457 of the CDH3 protein (p.Glu457Gly). This variant is not present in population databases (gnomAD no frequency). This variant has not been reported in the literature in individuals affected with CDH3-related conditions. ClinVar contains an entry for this variant (Variation ID: 1054074). Invitae Evidence Modeling of protein sequence and biophysical properties (such as structural, functional, and spatial information, amino acid conservation, physicochemical variation, residue mobility, and thermodynamic stability) indicates that this missense variant is not expected to disrupt CDH3 protein function with a negative predictive value of 80%. In summary, the available evidence is currently insufficient to determine the role of this variant in disease. Therefore, it has been classified as a Variant of Uncertain Significance.

NM_001793.6(CDH3):c.1370A>G (p.Glu457Gly)

Gene: CDH3 (cadherin 3; plus strand). Cytogenetic location: 16q22.1.
Variant type: single nucleotide variant.
Coding change: c.1370A>G on transcript NM_001793.6 (MANE Select); coding-DNA position 1370, A replaced by G.
Protein change: p.Glu457Gly; replaces glutamic acid 457 with glycine.
Molecular consequence: missense variant.
Genome position (GRCh38, 1-based): chr16:68,684,770, A>G. VCF-style: chr16-68684770-A-G. GRCh37 (hg19) VCF-style: chr16-68718673-A-G.
Other names: c.1370A>G, p.Glu457Gly (NM_001317195.3); c.1205A>G, p.Glu402Gly (NM_001317196.2); short protein forms E402G, E457G.
Identifiers: ClinVar variation 1054074 (VCV001054074.10), dbSNP rs902169494, ClinGen allele CA283280390.